The following is an entry in ClinVar:

NM_006269.2(RP1):c.145G>A (p.Gly49Ser)

Gene: RP1 (RP1 axonemal microtubule associated; plus strand). Cytogenetic location: 8q12.1.
Variant type: single nucleotide variant.
Coding change: c.145G>A on transcript NM_006269.2 (MANE Select); coding-DNA position 145, G replaced by A.
Protein change: p.Gly49Ser; replaces glycine 49 with serine.
Molecular consequence: missense variant.
Genome position (GRCh38, 1-based): chr8:54,621,111, G>A. VCF-style: chr8-54621111-G-A. GRCh37 (hg19) VCF-style: chr8-55533671-G-A.
Other names: c.145G>A, p.Gly49Ser (NM_001375654.1); short protein forms G49S.
Identifiers: ClinVar variation 1497732 (VCV001497732.6), dbSNP rs374931762, ClinGen allele CA4751091.
Genomic context (GRCh38, chr8:54,621,111, plus strand): 5'-CTCACTCATCCTGTTGTGGCCAAGCGAATCAGTTTCTACAAGAGCGGAGACCCCCAATTC[G>A]GCGGGGTCAGGGTGGTGGTCAACCCTCGCTCCTTTAAGTCCTTTGATGCTCTGCTGGATA-3'
Protein context (NP_006260.1, residues 39-59): SFYKSGDPQF[Gly49Ser]GVRVVVNPRS

ClinVar aggregate classification (germline): Uncertain significance (1 of 4 stars; one submission).

gnomAD v4.1: 20 of 1,613,992 alleles (0.0012%); highest among the groups gnomAD compares: South Asian, 0.0033%; no homozygotes.

Submission:

Labcorp Genetics (formerly Invitae), Labcorp
Classification: Uncertain significance. Last evaluated: 2024-09-16. Review status: criteria provided, single submitter. Criteria: Invitae Variant Classification Sherloc (09022015). Collection method: clinical testing. Allele origin: germline.
Comment: This sequence change replaces glycine, which is neutral and non-polar, with serine, which is neutral and polar, at codon 49 of the RP1 protein (p.Gly49Ser). This variant is present in population databases (rs374931762, gnomAD 0.004%). This variant has not been reported in the literature in individuals affected with RP1-related conditions. ClinVar contains an entry for this variant (Variation ID: 1497732). An algorithm developed to predict the effect of missense changes on protein structure and function outputs the following: PolyPhen-2: "Benign". The serine amino acid residue is found in multiple mammalian species, which suggests that this missense change does not adversely affect protein function. In summary, the available evidence is currently insufficient to determine the role of this variant in disease. Therefore, it has been classified as a Variant of Uncertain Significance.